The following is an entry in ClinVar:

ClinVar aggregate classification (germline): Pathogenic (1 of 4 stars; one submission).

Submission:

Labcorp Genetics (formerly Invitae), Labcorp
Classification: Pathogenic. Last evaluated: 2021-09-04. Review status: criteria provided, single submitter. Criteria: Invitae Variant Classification Sherloc (09022015). Collection method: clinical testing. Allele origin: germline.
Comment: This sequence change creates a premature translational stop signal (p.Leu175Thrfs*9) in the MSH3 gene. It is expected to result in an absent or disrupted protein product. Loss-of-function variants in MSH3 are known to be pathogenic (PMID: 27476653). This variant is not present in population databases (ExAC no frequency). This variant has not been reported in the literature in individuals affected with MSH3-related conditions. For these reasons, this variant has been classified as Pathogenic.

Literature cited by the submitters: PubMed 27476653.

NM_002439.5(MSH3):c.523_524del (p.Leu175fs)

Gene: MSH3 (mutS homolog 3; plus strand). Cytogenetic location: 5q14.1.
Variant type: Deletion.
Coding change: c.523_524del on transcript NM_002439.5 (MANE Select); coding-DNA positions 523 to 524, 2 bases deleted (CT; older notation c.523_524delCT).
Protein change: p.Leu175fs; shifts the reading frame from leucine 175.
Molecular consequence: frameshift variant.
Genome position (GRCh38, 1-based): chr5:80,665,307-80,665,308, CT deleted; deleting any 2 consecutive bases within chr5:80,665,306-80,665,308 gives the same sequence; the c. name uses the placement nearest the transcript's 3' end. VCF-style (leftmost placement, unchanged base first): chr5-80665305-TTC-T. GRCh37 (hg19) VCF-style: chr5-79961124-TTC-T.
Other names: short protein forms L175fs.
Identifiers: ClinVar variation 1416816 (VCV001416816.6), dbSNP rs2112808916, ClinGen allele CA2573139846.